The following is an entry in ClinVar:

NM_000492.4(CFTR):c.2951A>T (p.Asp984Val)

Genes: CFTR (CF transmembrane conductance regulator; plus strand), CFTR-AS2 (CFTR antisense RNA 2; minus strand). Cytogenetic location: 7q31.2.
Variant type: single nucleotide variant.
Coding change: c.2951A>T on transcript NM_000492.4 (MANE Select); coding-DNA position 2951, A replaced by T.
Protein change: p.Asp984Val; replaces aspartic acid 984 with valine.
Molecular consequence: missense variant.
Genome position (GRCh38, 1-based): chr7:117,606,716, A>T. VCF-style: chr7-117606716-A-T. GRCh37 (hg19) VCF-style: chr7-117246770-A-T.
Other names: short protein forms D984V.
Identifiers: ClinVar variation 1798061 (VCV001798061.2), dbSNP rs1792306355, ClinGen allele CA368989109.
Genomic context (GRCh38, chr7:117,606,716, plus strand): 5'-TCATCTTGTATATTATAGGTGGGATTCTTAATAGATTCTCCAAAGATATAGCAATTTTGG[A>T]TGACCTTCTGCCTCTTACCATATTTGACTTCATCCAGGTATGTAAAAATAAGTACCGTTA-3'
Protein context (NP_000483.3, residues 974-994): NRFSKDIAIL[Asp984Val]DLLPLTIFDF

ClinVar aggregate classification (germline): Uncertain significance (1 of 4 stars; one submission).

Conditions:
Cystic fibrosis (CF). Also called: MUCOVISCIDOSIS. Identifiers: Orphanet 586, MedGen C0010674, MONDO:0009061, OMIM 219700. Disease mechanism: loss of function.

Allele frequency attached by ClinVar (database versions not stated): gnomAD exomes below 0.00001.
gnomAD v4.1: 1 of 1,594,572 alleles (0.000063%); highest among the groups gnomAD compares: Non-Finnish European, 0.000086%; no homozygotes.

Submission:

Ambry Genetics
Classification: Uncertain significance for Cystic fibrosis. Last evaluated: 2014-09-10. Review status: criteria provided, single submitter. Criteria: Ambry Variant Classification Scheme 2023. Collection method: clinical testing. Allele origin: germline.
Comment: The p.D984V variant (also known as c.2951A>T), located in coding exon 18 of the CFTR gene, results from an A to T substitution at nucleotide position 2951. The aspartic acid at codon 984 is replaced by valine, an amino acid with highly dissimilar properties. This variant was not reported in population based cohorts in the following databases: Database of Single Nucleotide Polymorphisms (dbSNP) and 1000 Genomes Project. In the ESP, this variant was not observed in 6495 samples (12990 alleles) with coverage at this position. This amino acid position is well conserved in available vertebrate species. In addition, this alteration is predicted to be deleterious by in silico analysis. Since supporting evidence is limited at this time, the clinical significance of p.D984V remains unclear.